The following is an entry in ClinVar:

NM_001048174.2(MUTYH):c.1265A>C (p.Lys422Thr)

Gene: MUTYH (mutY DNA glycosylase; minus strand). Cytogenetic location: 1p34.1.
Variant type: single nucleotide variant.
Coding change: c.1265A>C on transcript NM_001048174.2 (MANE Select); coding-DNA position 1265, A replaced by C.
Protein change: p.Lys422Thr; replaces lysine 422 with threonine.
Molecular consequence: missense variant. On other transcripts: non-coding transcript variant (7).
Genome position (GRCh38, 1-based): chr1:45,331,309, T>G on the plus strand (A>C on the coding strand, the complement: MUTYH is on the minus strand). VCF-style: chr1-45331309-T-G. GRCh37 (hg19) VCF-style: chr1-45796981-T-G.
Other names: c.1349A>C, p.Lys450Thr (NM_001128425.2); c.1310A>C, p.Lys437Thr (NM_001293190.2); c.1298A>C, p.Lys433Thr (NM_001293191.2, NM_001407069.1, NM_001407077.1); c.989A>C, p.Lys330Thr (NM_001293192.2, NM_001293196.2, NM_001407091.1); c.1265A>C, p.Lys422Thr (NM_001293195.2, NM_001407081.1, NM_001407088.1 and 6 more transcripts); c.920A>C, p.Lys307Thr (NM_001350650.2, NM_001350651.2, NM_001407082.1); c.1307A>C, p.Lys436Thr (NM_001407083.1, NM_001407085.1); c.1268A>C, p.Lys423Thr (NM_001407086.1, NM_001048172.2, NM_001407071.1 and 1 more transcripts); and 5 more; short protein forms K394T, K423T, K437T, K450T, K330T, K422T, K429T, K307T.
Identifiers: ClinVar variation 4113190 (VCV004113190.1).
Genomic context (GRCh38, chr1:45,331,309, plus strand): 5'-GGTACGGTGGTCACTGGGGTCTGCCCTTCCAAGGCCAGCCCATATACTTGATATGTCAGC[T>G]TGATGTGAGAGAAGGTGTGGACAACCTGGAGGAAGGGTCAAGGGGTTCAAATAGGCCTGT-3'
Protein context (NP_001041639.1, residues 412-432): GEVVHTFSHI[Lys422Thr]LTYQVYGLAL

ClinVar aggregate classification (germline): Uncertain significance (1 of 4 stars; one submission).

Conditions:
Hereditary cancer-predisposing syndrome. Also called: Tumor predisposition; Neoplastic Syndromes, Hereditary; Hereditary neoplastic syndrome; Hereditary Cancer Syndrome. Identifiers: Orphanet 140162, MedGen C0027672, MeSH D009386, MONDO:0015356.

Submission:

Ambry Genetics
Classification: Uncertain significance for Hereditary cancer-predisposing syndrome. Last evaluated: 2025-08-27. Review status: criteria provided, single submitter. Criteria: Ambry Variant Classification Scheme 2023. Collection method: clinical testing. Allele origin: germline.
Comment: The p.K450T variant (also known as c.1349A>C), located in coding exon 14 of the MUTYH gene, results from an A to C substitution at nucleotide position 1349. The lysine at codon 450 is replaced by threonine, an amino acid with similar properties. This amino acid position is conserved. In addition, the in silico prediction for this alteration is inconclusive. Based on the available evidence, the clinical significance of this variant remains unclear.